The following is an entry in ClinVar:

NM_006030.4(CACNA2D2):c.2990G>T (p.Gly997Val)

Genes: CACNA2D2 (calcium voltage-gated channel auxiliary subunit alpha2delta 2; minus strand), LOC101928965 (uncharacterized LOC101928965; plus strand), LOC127898564 (CYB561D2-LOC101928965; plus strand). Cytogenetic location: 3p21.31.
Variant type: single nucleotide variant.
Coding change: c.2990G>T on transcript NM_006030.4 (MANE Select); coding-DNA position 2990, G replaced by T.
Protein change: p.Gly997Val; replaces glycine 997 with valine.
Molecular consequence: missense variant. On other transcripts: non-coding transcript variant (7).
Genome position (GRCh38, 1-based): chr3:50,365,464, C>A on the plus strand (G>T on the coding strand, the complement: CACNA2D2 is on the minus strand). VCF-style: chr3-50365464-C-A. GRCh37 (hg19) VCF-style: chr3-50402895-C-A.
Other names: c.2993G>T, p.Gly998Val (NM_001410768.1); c.2990G>T, p.Gly997Val (NM_001005505.3); c.3011G>T, p.Gly1004Val (NM_001174051.3); c.2783G>T, p.Gly928Val (NM_001291101.1); short protein forms G1004V, G928V, G997V, G998V.
Identifiers: ClinVar variation 2813027 (VCV002813027.3), dbSNP rs2470976960, ClinGen allele CA352901586.

ClinVar aggregate classification (germline): Uncertain significance (1 of 4 stars; one submission).

Conditions:
Early-infantile DEE. Also called: Early infantile epileptic encephalopathy; Early infantile epileptic encephalopathy with suppression bursts; Ohtahara syndrome. Identifiers: Orphanet 1934, MedGen C0393706, MONDO:0800491.

Submission:

Labcorp Genetics (formerly Invitae), Labcorp
Classification: Uncertain significance for Early-infantile DEE. Last evaluated: 2022-11-08. Review status: criteria provided, single submitter. Criteria: Invitae Variant Classification Sherloc (09022015). Collection method: clinical testing. Allele origin: germline.
Comment: This sequence change replaces glycine, which is neutral and non-polar, with valine, which is neutral and non-polar, at codon 997 of the CACNA2D2 protein (p.Gly997Val). This variant is not present in population databases (gnomAD no frequency). This variant has not been reported in the literature in individuals affected with CACNA2D2-related conditions. Algorithms developed to predict the effect of missense changes on protein structure and function are either unavailable or do not agree on the potential impact of this missense change (SIFT: "Deleterious"; PolyPhen-2: "Benign"; Align-GVGD: "Class C15"). In summary, the available evidence is currently insufficient to determine the role of this variant in disease. Therefore, it has been classified as a Variant of Uncertain Significance.